The following is an entry in ClinVar:

ClinVar aggregate classification (germline): Uncertain significance (1 of 4 stars; one submission).

Conditions:
Migraine, familial hemiplegic, 2. Identifiers: Orphanet 569, MedGen C1865322, MONDO:0011232, OMIM 602481.

Submission:

Centre for Mendelian Genomics, University Medical Centre Ljubljana
Classification: Uncertain significance for Migraine, familial hemiplegic, 2. Last evaluated: 2020-04-02. Review status: criteria provided, single submitter. Criteria: ACMG Guidelines, 2015. Collection method: clinical testing. Allele origin: unknown. Affected: yes.
Comment: This variant was classified as: Uncertain significance. The available evidence on this variant's pathogenicity is insufficient or conflicting. The following ACMG criteria were applied in classifying this variant: PM2,PM3.

NM_000702.4(ATP1A2):c.1531A>T (p.Ile511Phe)

Gene: ATP1A2 (ATPase Na+/K+ transporting subunit alpha 2; plus strand). Cytogenetic location: 1q23.2.
Variant type: single nucleotide variant.
Coding change: c.1531A>T on transcript NM_000702.4 (MANE Select); coding-DNA position 1531, A replaced by T.
Protein change: p.Ile511Phe; replaces isoleucine 511 with phenylalanine.
Molecular consequence: missense variant.
Genome position (GRCh38, 1-based): chr1:160,130,171, A>T. VCF-style: chr1-160130171-A-T. GRCh37 (hg19) VCF-style: chr1-160099961-A-T.
Other names: short protein forms I511F.
Identifiers: ClinVar variation 931282 (VCV000931282.3), dbSNP rs1651725395, ClinGen allele CA343243183.
Genomic context (GRCh38, chr1:160,130,171, plus strand): 5'-CACGAGCGAGAAGACAGCCCCCAGAGCCACGTGCTGGTGATGAAGGGGGCCCCAGAGCGC[A>T]TTCTGGACCGGTGCTCCACCATCCTGGTGCAGGGCAAGGAGATCCCGCTCGACAAGGAGA-3'
Protein context (NP_000693.1, residues 501-521): VLVMKGAPER[Ile511Phe]LDRCSTILVQ